The following is an entry in ClinVar:

ClinVar aggregate classification (germline): Pathogenic (1 of 4 stars; one submission).

Conditions:
LAMA2-related muscular dystrophy (LAMA2-RD). Also called: Laminin alpha 2-related dystrophy. Identifiers: MedGen C5679788, MONDO:0100228.

Submission:

Labcorp Genetics (formerly Invitae), Labcorp
Classification: Pathogenic for LAMA2-related muscular dystrophy. Last evaluated: 2021-01-03. Review status: criteria provided, single submitter. Criteria: Invitae Variant Classification Sherloc (09022015). Collection method: clinical testing. Allele origin: germline.
Comment: For these reasons, this variant has been classified as Pathogenic. While this particular variant has not been reported in the literature, loss-of-function variants in LAMA2 are known to be pathogenic (PMID: 18700894). This variant is an out-of-frame deletion of the genomic region encompassing exon 19 of the LAMA2 gene. This creates a premature translational stop signal and is expected to result in an absent or disrupted protein product.

Literature cited by the submitters: PubMed 18700894.

NC_000006.11:g.(?_129608982)_(129609213_?)del

Gene: LAMA2 (laminin subunit alpha 2; plus strand). Cytogenetic location: 6q22.33.
Variant type: Deletion.
Identifiers: ClinVar variation 1454945 (VCV001454945.7).